The following is an entry in ClinVar:

NM_018896.5(CACNA1G):c.4422+31G>C

Gene: CACNA1G (calcium voltage-gated channel subunit alpha1 G; plus strand). Cytogenetic location: 17q21.33.
Variant type: single nucleotide variant.
Coding change: c.4422+31G>C on transcript NM_018896.5 (MANE Select); 31 bases into the intron after coding-DNA position 4422, G replaced by C.
Molecular consequence: intron variant.
Genome position (GRCh38, 1-based): chr17:50,606,054, G>C. VCF-style: chr17-50606054-G-C. GRCh37 (hg19) VCF-style: chr17-48683415-G-C.
Other names: c.4422+31G>C (NM_001256325.2, NM_198377.3, NM_198380.3 and 16 more transcripts); c.4353+31G>C (NM_198396.3, NM_198379.3, NM_198387.3 and 5 more transcripts).
Identifiers: ClinVar variation 1675679 (VCV001675679.33), dbSNP rs59226503, ClinGen allele CA8653015.
Genomic context (GRCh38, chr17:50,606,054, plus strand): 5'-CACAAGTACAACTTTGACAACCTTGGCCAGGTGAGCCCCAGGCTCAGAGGTGGGGCTGTG[G>C]TGAAGGAGGCTGGAGGGGGCACAGGGCCATGCTTAGTGATACCTGCTGACTCCGGTGGAG-3'

ClinVar aggregate classification (germline): Benign. Review status: criteria provided, multiple submitters, no conflicts (2 of 4 stars). 2 submissions from 2 submitters: Benign (2). Last evaluated 2026-07-01.

Allele frequency attached by ClinVar (database versions not stated): 1000 Genomes Project 0.00240; 1000 Genomes Project 30x 0.00250; gnomAD 0.00339 and 0.00362; TOPMed 0.00352; ESP Exome Variant Server 0.00377; ExAC 0.00427; gnomAD exomes 0.00437.
gnomAD v4.1: 7,967 of 1,613,870 alleles (0.49%); highest among the groups gnomAD compares: Middle Eastern, 1.1%; 33 homozygotes.

Submissions (2):

CeGaT Center for Human Genetics Tuebingen
Classification: Benign. Last evaluated: 2026-07-01. Review status: criteria provided, single submitter. Criteria: CeGaT Center For Human Genetics Tuebingen Variant Classification Criteria Version 2. Collection method: clinical testing. Allele origin: germline. Affected: yes. Observed: 40 variant alleles.
Comment: CACNA1G: BS1, BS2

Breakthrough Genomics
Classification: Benign. Review status: criteria provided, single submitter. Criteria: ACMG Guidelines, 2015. Collection method: not provided. Allele origin: germline. Inheritance: Autosomal dominant inheritance. Affected: yes.